The following is an entry in ClinVar:

NM_000693.4(ALDH1A3):c.780+56C>T

Genes: ALDH1A3 (aldehyde dehydrogenase 1 family member A3; plus strand), ALDH1A3-AS1 (ALDH1A3 antisense RNA 1; minus strand). Cytogenetic location: 15q26.3.
Variant type: single nucleotide variant.
Coding change: c.780+56C>T on transcript NM_000693.4 (MANE Select); 56 bases into the intron after coding-DNA position 780, C replaced by T.
Molecular consequence: intron variant.
Genome position (GRCh38, 1-based): chr15:100,896,102, C>T. VCF-style: chr15-100896102-C-T. GRCh37 (hg19) VCF-style: chr15-101436307-C-T.
Other names: c.459+56C>T (NM_001293815.2).
Identifiers: ClinVar variation 677157 (VCV000677157.2), dbSNP rs4646669, ClinGen allele CA14140379.

ClinVar aggregate classification (germline): Benign. Review status: criteria provided, multiple submitters, no conflicts (2 of 4 stars). 2 submissions from 2 submitters: Benign (2). Last evaluated 2018-06-19.

Allele frequency attached by ClinVar (database versions not stated): gnomAD 0.16557 and 0.16820; gnomAD exomes 0.16710; TOPMed 0.17408; 1000 Genomes Project 30x 0.19254; 1000 Genomes Project 0.19509.
gnomAD v4.1: 225,582 of 1,347,706 alleles (17%); highest among the groups gnomAD compares: East Asian, 41%; 21,051 homozygotes.

Submissions (2):

GeneDx
Classification: Benign. Last evaluated: 2018-06-19. Review status: criteria provided, single submitter. Criteria: GeneDx Variant Classification (06012015). Collection method: clinical testing. Allele origin: germline. Affected: yes.
Comment: This variant is considered likely benign or benign based on one or more of the following criteria: it is a conservative change, it occurs at a poorly conserved position in the protein, it is predicted to be benign by multiple in silico algorithms, and/or has population frequency not consistent with disease.

Breakthrough Genomics
Classification: Benign. Review status: criteria provided, single submitter. Criteria: ACMG Guidelines, 2015. Collection method: not provided. Allele origin: germline. Inheritance: Autosomal recessive inheritance. Affected: yes.